The following is an entry in ClinVar:

ClinVar aggregate classification (germline): Uncertain significance (1 of 4 stars; one submission).

gnomAD v4.1: 5 of 1,611,854 alleles (0.00031%); highest among the groups gnomAD compares: East Asian, 0.0022%; no homozygotes.

Submission:

Labcorp Genetics (formerly Invitae), Labcorp
Classification: Uncertain significance. Last evaluated: 2024-10-25. Review status: criteria provided, single submitter. Criteria: Invitae Variant Classification Sherloc (09022015). Collection method: clinical testing. Allele origin: germline.
Comment: This sequence change falls in intron 20 of the MYH9 gene. It does not directly change the encoded amino acid sequence of the MYH9 protein. It affects a nucleotide within the consensus splice site. This variant is present in population databases (no rsID available, gnomAD 0.01%). This variant has not been reported in the literature in individuals affected with MYH9-related conditions. Variants that disrupt the consensus splice site are a relatively common cause of aberrant splicing (PMID: 17576681, 9536098). Algorithms developed to predict the effect of sequence changes on RNA splicing suggest that this variant is not likely to affect RNA splicing. In summary, the available evidence is currently insufficient to determine the role of this variant in disease. Therefore, it has been classified as a Variant of Uncertain Significance.

Literature cited by the submitters: PubMed 17576681; PubMed 9536098.

NM_002473.6(MYH9):c.2499+5G>A

Gene: MYH9 (myosin heavy chain 9; minus strand). Cytogenetic location: 22q12.3.
Variant type: single nucleotide variant.
Coding change: c.2499+5G>A on transcript NM_002473.6 (MANE Select); 5 bases into the intron after coding-DNA position 2499, G replaced by A.
Molecular consequence: intron variant.
Genome position (GRCh38, 1-based): chr22:36,302,563, C>T on the plus strand (G>A on the coding strand, the complement: MYH9 is on the minus strand). VCF-style: chr22-36302563-C-T. GRCh37 (hg19) VCF-style: chr22-36698609-C-T.
Identifiers: ClinVar variation 3609055 (VCV003609055.2).